The following is an entry in ClinVar:

NM_000268.4(NF2):c.548T>C (p.Met183Thr)

Gene: NF2 (NF2, moesin-ezrin-radixin like (MERLIN) tumor suppressor; plus strand). Cytogenetic location: 22q12.2.
Variant type: single nucleotide variant.
Coding change: c.548T>C on transcript NM_000268.4 (MANE Select); coding-DNA position 548, T replaced by C.
Protein change: p.Met183Thr; replaces methionine 183 with threonine.
Molecular consequence: missense variant. On other transcripts: intron variant (1).
Genome position (GRCh38, 1-based): chr22:29,655,625, T>C. VCF-style: chr22-29655625-T-C. GRCh37 (hg19) VCF-style: chr22-30051614-T-C.
Other names: c.434T>C, p.Met145Thr (NM_001407053.1, NM_001407056.1); c.425T>C, p.Met142Thr (NM_001407054.1, NM_001407058.1, NM_001407062.1 and 1 more transcripts); c.422T>C, p.Met141Thr (NM_001407055.1, NM_181828.3); c.548T>C, p.Met183Thr (NM_001407057.1, NM_001407059.1, NM_001407060.1 and 4 more transcripts); c.299T>C, p.Met100Thr (NM_001407063.1, NM_001407064.1, NM_181830.3 and 1 more transcripts); c.14T>C, p.Met5Thr (NM_001407065.1); c.317T>C, p.Met106Thr (NM_001407067.1); c.447+13340T>C (NM_181833.3); short protein forms M100T, M106T, M145T, M183T, M141T, M142T, M5T.
Identifiers: ClinVar variation 4743137 (VCV004743137.1).
Genomic context (GRCh38, chr22:29,655,625, plus strand): 5'-GTTTTTTATTTTGCTCTATTTTTTGGTAGGTAATAAATCTGTATCAGATGACTCCGGAAA[T>C]GTGGGAGGAGAGAATTACTGCTTGGTACGCAGAGCACCGAGGCCGAGCCAGGTGAGGCCC-3'
Protein context (NP_000259.1, residues 173-193): VINLYQMTPE[Met183Thr]WEERITAWYA

ClinVar aggregate classification (germline): Uncertain significance (1 of 4 stars; one submission).

Conditions:
Neurofibromatosis, type 2 (SWNV). Also called: BILATERAL ACOUSTIC NEUROFIBROMATOSIS; NF2-Related Schwannomatosis; SCHWANNOMATOSIS, VESTIBULAR. Identifiers: Orphanet 637, MedGen C0027832, MONDO:0007039, OMIM 101000. Disease mechanism: loss of function.

Submission:

Labcorp Genetics (formerly Invitae), Labcorp
Classification: Uncertain significance for Neurofibromatosis, type 2. Last evaluated: 2026-01-10. Review status: criteria provided, single submitter. Criteria: Invitae Variant Classification Sherloc (09022015). Collection method: clinical testing. Allele origin: germline.
Comment: This sequence change replaces methionine, which is neutral and non-polar, with threonine, which is neutral and polar, at codon 183 of the NF2 protein (p.Met183Thr). This variant is not present in population databases (gnomAD no frequency). This variant has not been reported in the literature in individuals affected with NF2-related conditions. Invitae Evidence Modeling of protein sequence and biophysical properties (such as structural, functional, and spatial information, amino acid conservation, physicochemical variation, residue mobility, and thermodynamic stability) indicates that this missense variant is expected to disrupt NF2 protein function with a positive predictive value of 80%. In summary, the available evidence is currently insufficient to determine the role of this variant in disease. Therefore, it has been classified as a Variant of Uncertain Significance.